The following is an entry in ClinVar:

ClinVar aggregate classification (germline): Uncertain significance (1 of 4 stars; one submission).

Conditions:
Hereditary cancer-predisposing syndrome. Also called: Neoplastic Syndromes, Hereditary; Tumor predisposition; Hereditary Cancer Syndrome; Hereditary neoplastic syndrome. Identifiers: Orphanet 140162, MedGen C0027672, MeSH D009386, MONDO:0015356.

Submission:

Color Diagnostics, LLC DBA Color Health
Classification: Uncertain significance for Hereditary cancer-predisposing syndrome. Last evaluated: 2025-03-17. Review status: criteria provided, single submitter. Criteria: ACMG Guidelines, 2015. Collection method: clinical testing. Allele origin: germline.
Comment: This variant causes a T to A nucleotide substitution at the -6 position of intron 10/11 of the SMAD4 gene. To our knowledge, RNA functional studies have not been reported for this variant. This variant has not been reported in individuals affected with SMAD4-related disorders in the literature. This variant has not been identified in the general population by the Genome Aggregation Database (gnomAD). The available evidence is insufficient to determine the role of this variant in disease conclusively. Therefore, this variant is classified as a Variant of Uncertain Significance.

NM_005359.6(SMAD4):c.1309-6T>A

Gene: SMAD4 (SMAD family member 4; plus strand). Cytogenetic location: 18q21.2.
Variant type: single nucleotide variant.
Coding change: c.1309-6T>A on transcript NM_005359.6 (MANE Select); 6 bases into the intron before coding-DNA position 1309, T replaced by A.
Molecular consequence: intron variant.
Genome position (GRCh38, 1-based): chr18:51,076,632, T>A. VCF-style: chr18-51076632-T-A. GRCh37 (hg19) VCF-style: chr18-48603002-T-A.
Other names: c.1309-6T>A (NM_001407041.1, NM_001407042.1).
Identifiers: ClinVar variation 3894263 (VCV003894263.1).